The following is an entry in ClinVar:

NM_000548.5(TSC2):c.3551C>A (p.Ala1184Glu)

Gene: TSC2 (TSC complex subunit 2; plus strand). Cytogenetic location: 16p13.3.
Variant type: single nucleotide variant.
Coding change: c.3551C>A on transcript NM_000548.5 (MANE Select); coding-DNA position 3551, C replaced by A.
Protein change: p.Ala1184Glu; replaces alanine 1184 with glutamic acid.
Molecular consequence: missense variant.
Genome position (GRCh38, 1-based): chr16:2,080,318, C>A. VCF-style: chr16-2080318-C-A. GRCh37 (hg19) VCF-style: chr16-2130319-C-A.
Other names: c.3551C>A (NM_000548.4); c.3419C>A, p.Ala1140Glu (NM_001077183.3, NM_001370404.1); c.3551C>A, p.Ala1184Glu (NM_001114382.3); c.3311C>A, p.Ala1104Glu (NM_001318827.2); c.3275C>A, p.Ala1092Glu (NM_001318829.2); c.2819C>A, p.Ala940Glu (NM_001318831.2); c.3452C>A, p.Ala1151Glu (NM_001318832.2); c.3422C>A, p.Ala1141Glu (NM_001363528.2, NM_001370405.1, NM_021055.3); short protein forms A1184E, A1141E, A1140E, A1092E, A1104E, A1151E, A940E.
Identifiers: ClinVar variation 406024 (VCV000406024.13), dbSNP rs1060500939, ClinGen allele CA16615137.

ClinVar aggregate classification (germline): Conflicting classifications of pathogenicity. Review status: criteria provided, conflicting classifications (1 of 4 stars). 3 submissions from 3 submitters: Uncertain significance (1); Benign (1); Likely benign (1). Last evaluated 2026-01-07.

Conditions:
TSC2-related disorder. Also called: TSC2-related condition; TSC2-Related Disorders.
Hereditary cancer-predisposing syndrome. Also called: Neoplastic Syndromes, Hereditary; Tumor predisposition; Hereditary Cancer Syndrome; Hereditary neoplastic syndrome. Identifiers: Orphanet 140162, MedGen C0027672, MeSH D009386, MONDO:0015356.
Tuberous sclerosis 2 (TSC2). Identifiers: Orphanet 805, MedGen C1860707, MONDO:0013199, OMIM 613254.

Allele frequency attached by ClinVar (database versions not stated): TOPMed below 0.00001; gnomAD 0.00001.
gnomAD v4.1: 2 of 1,612,692 alleles (0.00012%); highest among the groups gnomAD compares: African/African-American, 0.0013%; no homozygotes.

Submissions (3):

PreventionGenetics, part of Exact Sciences
Classification: Likely benign for TSC2-related condition. Last evaluated: 2026-01-07. Review status: criteria provided, single submitter. Criteria: ACMG Guidelines, 2015. Collection method: clinical testing. Allele origin: germline.
Comment: This variant is classified as likely benign based on ACMG/AMP sequence variant interpretation guidelines (Richards et al. 2015 PMID: 25741868, with internal and published modifications).

Labcorp Genetics (formerly Invitae), Labcorp
Classification: Benign for Tuberous sclerosis 2. Last evaluated: 2025-10-29. Review status: criteria provided, single submitter. Criteria: Invitae Variant Classification Sherloc (09022015). Collection method: clinical testing. Allele origin: germline.

Ambry Genetics
Classification: Uncertain significance for Hereditary cancer-predisposing syndrome. Last evaluated: 2025-03-24. Review status: criteria provided, single submitter. Criteria: Ambry Variant Classification Scheme 2023. Collection method: clinical testing. Allele origin: germline.
Comment: The p.A1184E variant (also known as c.3551C>A), located in coding exon 29 of the TSC2 gene, results from a C to A substitution at nucleotide position 3551. The alanine at codon 1184 is replaced by glutamic acid, an amino acid with dissimilar properties. This variant was detected as heterozygous in individual(s) with no reported features of tuberous sclerosis complex (Ambry internal data). This amino acid position is highly conserved in available vertebrate species. In addition, this alteration is predicted to be deleterious by in silico analysis. Based on the available evidence, the clinical significance of this variant remains unclear.